The following is an entry in ClinVar:

ClinVar aggregate classification (germline): Uncertain significance (1 of 4 stars; one submission).

Conditions:
Hereditary cancer-predisposing syndrome. Also called: Tumor predisposition; Neoplastic Syndromes, Hereditary; Hereditary Cancer Syndrome; Hereditary neoplastic syndrome. Identifiers: Orphanet 140162, MedGen C0027672, MeSH D009386, MONDO:0015356.

Submission:

Ambry Genetics
Classification: Uncertain significance for Hereditary cancer-predisposing syndrome. Last evaluated: 2024-11-28. Review status: criteria provided, single submitter. Criteria: Ambry Variant Classification Scheme 2023. Collection method: clinical testing. Allele origin: germline.
Comment: The p.P138R variant (also known as c.413C>G), located in coding exon 5 of the CDC73 gene, results from a C to G substitution at nucleotide position 413. The proline at codon 138 is replaced by arginine, an amino acid with dissimilar properties. This amino acid position is conserved. In addition, the in silico prediction for this alteration is inconclusive. Based on the available evidence, the clinical significance of this variant remains unclear.

NM_024529.5(CDC73):c.413C>G (p.Pro138Arg)

Gene: CDC73 (cell division cycle 73; plus strand). Cytogenetic location: 1q31.2.
Variant type: single nucleotide variant.
Coding change: c.413C>G on transcript NM_024529.5 (MANE Select); coding-DNA position 413, C replaced by G.
Protein change: p.Pro138Arg; replaces proline 138 with arginine.
Molecular consequence: missense variant.
Genome position (GRCh38, 1-based): chr1:193,135,579, C>G. VCF-style: chr1-193135579-C-G. GRCh37 (hg19) VCF-style: chr1-193104709-C-G.
Other names: short protein forms P138R.
Identifiers: ClinVar variation 3488541 (VCV003488541.1).